The following is an entry in ClinVar:

ClinVar aggregate classification (germline): Uncertain significance (1 of 4 stars; one submission).

Conditions:
Kabuki syndrome. Also called: Kabuki make-up syndrome; NIIKAWA-KUROKI SYNDROME. Identifiers: Orphanet 2322, MedGen C0796004, MONDO:0016512.

Allele frequency attached by ClinVar (database versions not stated): gnomAD exomes below 0.00001.
gnomAD v4.1: 2 of 1,613,938 alleles (0.00012%); highest among the groups gnomAD compares: Non-Finnish European, 0.000085%; no homozygotes.

Submission:

Labcorp Genetics (formerly Invitae), Labcorp
Classification: Uncertain significance for Kabuki syndrome. Last evaluated: 2024-02-07. Review status: criteria provided, single submitter. Criteria: Invitae Variant Classification Sherloc (09022015). Collection method: clinical testing. Allele origin: germline.
Comment: This sequence change replaces arginine, which is basic and polar, with tryptophan, which is neutral and slightly polar, at codon 5174 of the KMT2D protein (p.Arg5174Trp). This variant is not present in population databases (gnomAD no frequency). This variant has not been reported in the literature in individuals affected with KMT2D-related conditions. This missense change has been observed in at least one individual who was not affected with KMT2D-related conditions (Invitae). Advanced modeling of protein sequence and biophysical properties (such as structural, functional, and spatial information, amino acid conservation, physicochemical variation, residue mobility, and thermodynamic stability) has been performed at Invitae for this missense variant, however the output from this modeling did not meet the statistical confidence thresholds required to predict the impact of this variant on KMT2D protein function. In summary, the available evidence is currently insufficient to determine the role of this variant in disease. Therefore, it has been classified as a Variant of Uncertain Significance.

NM_003482.4(KMT2D):c.15520C>T (p.Arg5174Trp)

Gene: KMT2D (lysine methyltransferase 2D; minus strand). Cytogenetic location: 12q13.12.
Variant type: single nucleotide variant.
Coding change: c.15520C>T on transcript NM_003482.4 (MANE Select); coding-DNA position 15520, C replaced by T.
Protein change: p.Arg5174Trp; replaces arginine 5174 with tryptophan.
Molecular consequence: missense variant.
Genome position (GRCh38, 1-based): chr12:49,026,446, G>A on the plus strand (C>T on the coding strand, the complement: KMT2D is on the minus strand). VCF-style: chr12-49026446-G-A. GRCh37 (hg19) VCF-style: chr12-49420229-G-A.
Other names: short protein forms R5174W.
Identifiers: ClinVar variation 2982309 (VCV002982309.3), dbSNP rs1935474046, ClinGen allele CA384687260.